The following is an entry in ClinVar:

NM_024408.4(NOTCH2):c.4833T>C (p.Pro1611=)

Gene: NOTCH2 (notch receptor 2; minus strand). Cytogenetic location: 1p12.
Variant type: single nucleotide variant.
Coding change: c.4833T>C on transcript NM_024408.4 (MANE Select); coding-DNA position 4833, T replaced by C.
Protein change: p.Pro1611=; no amino-acid change (proline 1611 retained).
Molecular consequence: synonymous variant.
Genome position (GRCh38, 1-based): chr1:119,923,663, A>G on the plus strand (T>C on the coding strand, the complement: NOTCH2 is on the minus strand). VCF-style: chr1-119923663-A-G. GRCh37 (hg19) VCF-style: chr1-120466286-A-G.
Other names: c.4833T>C (NM_024408.3).
Identifiers: ClinVar variation 3711030 (VCV003711030.3).

ClinVar aggregate classification (germline): Likely benign. Review status: criteria provided, multiple submitters, no conflicts (2 of 4 stars). 2 submissions from 2 submitters: Likely benign (2). Last evaluated 2026-01-28.

Conditions:
Hajdu-Cheney syndrome (HJCYS). Also called: SERPENTINE FIBULA-POLYCYSTIC KIDNEY SYNDROME; ACROOSTEOLYSIS WITH OSTEOPOROSIS AND CHANGES IN SKULL AND MANDIBLE; Acroosteolysis dominant type. Identifiers: Orphanet 955, MedGen C0917715, MONDO:0007057, OMIM 102500.
NOTCH2-related disorder. Also called: NOTCH2-related condition.

Submissions (2):

Labcorp Genetics (formerly Invitae), Labcorp
Classification: Likely benign for Hajdu-Cheney syndrome. Last evaluated: 2026-01-28. Review status: criteria provided, single submitter. Criteria: Invitae Variant Classification Sherloc (09022015). Collection method: clinical testing. Allele origin: germline.

PreventionGenetics, part of Exact Sciences
Classification: Likely benign for NOTCH2-related condition. Last evaluated: 2024-10-26. Review status: criteria provided, single submitter. Criteria: ACMG Guidelines, 2015. Collection method: clinical testing. Allele origin: germline.
Comment: This variant is classified as likely benign based on ACMG/AMP sequence variant interpretation guidelines (Richards et al. 2015 PMID: 25741868, with internal and published modifications).